The following is an entry in ClinVar:

NM_007175.8(ERLIN2):c.737A>C (p.Glu246Ala)

Gene: ERLIN2 (ER lipid raft associated 2; plus strand). Cytogenetic location: 8p11.23.
Variant type: single nucleotide variant.
Coding change: c.737A>C on transcript NM_007175.8 (MANE Select); coding-DNA position 737, A replaced by C.
Protein change: p.Glu246Ala; replaces glutamic acid 246 with alanine.
Molecular consequence: missense variant.
Genome position (GRCh38, 1-based): chr8:37,751,713, A>C. VCF-style: chr8-37751713-A-C. GRCh37 (hg19) VCF-style: chr8-37609231-A-C.
Other names: c.737A>C, p.Glu246Ala (NM_001362878.2); short protein forms E246A.
Identifiers: ClinVar variation 2989060 (VCV002989060.3), dbSNP rs2487332378, ClinGen allele CA370660955.

ClinVar aggregate classification (germline): Uncertain significance (1 of 4 stars; one submission).

Conditions:
Spastic paraplegia. Identifiers: MedGen C0037772, HP:0001258.

Allele frequency attached by ClinVar (database versions not stated): gnomAD exomes below 0.00001.
gnomAD v4.1: 2 of 1,613,228 alleles (0.00012%); highest among the groups gnomAD compares: Non-Finnish European, 0.00017%; no homozygotes.

Submission:

Labcorp Genetics (formerly Invitae), Labcorp
Classification: Uncertain significance for Spastic paraplegia. Last evaluated: 2023-01-06. Review status: criteria provided, single submitter. Criteria: Invitae Variant Classification Sherloc (09022015). Collection method: clinical testing. Allele origin: germline.
Comment: This sequence change replaces glutamic acid, which is acidic and polar, with alanine, which is neutral and non-polar, at codon 246 of the ERLIN2 protein (p.Glu246Ala). This variant is not present in population databases (gnomAD no frequency). This variant has not been reported in the literature in individuals affected with ERLIN2-related conditions. In summary, the available evidence is currently insufficient to determine the role of this variant in disease. Therefore, it has been classified as a Variant of Uncertain Significance. Algorithms developed to predict the effect of missense changes on protein structure and function are either unavailable or do not agree on the potential impact of this missense change (SIFT: "Deleterious"; PolyPhen-2: "Benign"; Align-GVGD: "Class C65").